The following is an entry in ClinVar:

NM_001110556.2(FLNA):c.7157-170C>G

Gene: FLNA (filamin A; minus strand). Cytogenetic location: Xq28.
Variant type: single nucleotide variant.
Coding change: c.7157-170C>G on transcript NM_001110556.2 (MANE Select); 170 bases into the intron before coding-DNA position 7157, C replaced by G.
Molecular consequence: intron variant.
Genome position (GRCh38, 1-based): chrX:154,350,377, G>C on the plus strand (C>G on the coding strand, the complement: FLNA is on the minus strand). VCF-style: chrX-154350377-G-C. GRCh37 (hg19) VCF-style: chrX-153578745-G-C.
Other names: c.7133-170C>G (NM_001456.4).
Identifiers: ClinVar variation 675404 (VCV000675404.2), dbSNP rs73631578, ClinGen allele CA337273257.

ClinVar aggregate classification (germline): Benign. Review status: criteria provided, multiple submitters, no conflicts (2 of 4 stars). 2 submissions from 2 submitters: Benign (2). Last evaluated 2018-06-14.

Allele frequency attached by ClinVar (database versions not stated): gnomAD exomes 0.00889; gnomAD 0.06842 and 0.07316; 1000 Genomes Project 0.07364; 1000 Genomes Project 30x 0.07575; TOPMed 0.07790.
gnomAD v4.1: 11,022 of 464,017 alleles (2.4%); highest among the groups gnomAD compares: African/African-American, 23%; 875 homozygotes.

Submissions (2):

GeneDx
Classification: Benign. Last evaluated: 2018-06-14. Review status: criteria provided, single submitter. Criteria: GeneDx Variant Classification (06012015). Collection method: clinical testing. Allele origin: germline. Affected: yes.
Comment: This variant is considered likely benign or benign based on one or more of the following criteria: it is a conservative change, it occurs at a poorly conserved position in the protein, it is predicted to be benign by multiple in silico algorithms, and/or has population frequency not consistent with disease.

Breakthrough Genomics
Classification: Benign. Review status: criteria provided, single submitter. Criteria: ACMG Guidelines, 2015. Collection method: not provided. Allele origin: germline. Inheritance: X-linked inheritance. Affected: yes.